The following is an entry in ClinVar:

ClinVar aggregate classification (germline): Pathogenic. Review status: criteria provided, multiple submitters, no conflicts (2 of 4 stars). 2 submissions from 2 submitters: Pathogenic (2). Last evaluated 2025-06-10.

Conditions:
Spastic paraplegia. Identifiers: MedGen C0037772, HP:0001258.

Submissions (2):

GeneDx
Classification: Pathogenic. Last evaluated: 2025-06-10. Review status: criteria provided, single submitter. Criteria: GeneDx Variant Classification Process June 2021. Collection method: clinical testing. Allele origin: germline. Affected: yes.
Comment: Frameshift variant predicted to result in protein truncation or nonsense mediated decay in a gene for which loss of function is a known mechanism of disease; Not observed at significant frequency in large population cohorts (gnomAD); Has not been previously published as pathogenic or benign to our knowledge

Labcorp Genetics (formerly Invitae), Labcorp
Classification: Pathogenic for Spastic paraplegia. Last evaluated: 2022-06-24. Review status: criteria provided, single submitter. Criteria: Invitae Variant Classification Sherloc (09022015). Collection method: clinical testing. Allele origin: germline.
Comment: For these reasons, this variant has been classified as Pathogenic. This variant has not been reported in the literature in individuals affected with FA2H-related conditions. This variant is not present in population databases (gnomAD no frequency). This sequence change creates a premature translational stop signal (p.Gly298Alafs*16) in the FA2H gene. It is expected to result in an absent or disrupted protein product. Loss-of-function variants in FA2H are known to be pathogenic (PMID: 20853438, 25496456, 25732363, 26344562).

Literature cited by the submitters: PubMed 20853438 (cited by Labcorp Genetics (formerly Invitae), Labcorp); PubMed 25496456 (cited by Labcorp Genetics (formerly Invitae), Labcorp); PubMed 25732363 (cited by Labcorp Genetics (formerly Invitae), Labcorp); PubMed 26344562 (cited by Labcorp Genetics (formerly Invitae), Labcorp).

NM_024306.5(FA2H):c.888del (p.Gly298fs)

Gene: FA2H (fatty acid 2-hydroxylase; minus strand). Cytogenetic location: 16q23.1.
Variant type: Deletion.
Coding change: c.888del on transcript NM_024306.5 (MANE Select); coding-DNA position 888, one base deleted (A; older notation c.888delA).
Protein change: p.Gly298fs; shifts the reading frame from glycine 298.
Molecular consequence: frameshift variant.
Genome position (GRCh38, 1-based): chr16:74,716,498, T deleted on the plus strand (A on the coding strand, the reverse complement: FA2H is on the minus strand). VCF-style (leftmost placement, unchanged base first): chr16-74716497-CT-C. GRCh37 (hg19) VCF-style: chr16-74750395-CT-C.
Other names: c.888del (NM_024306.4); short protein forms G298fs.
Identifiers: ClinVar variation 2149614 (VCV002149614.5), dbSNP rs2544312267, ClinGen allele CA2576061289.
Genomic context (GRCh38, chr16:74,716,497, plus strand): 5'-AGTAATGGGTCATGTCATAGAGGACGTAGCCCAGGAGGCCCCCCGCAAACACAGTGCCCC[CT>C]ACTGCCTCGGGCAGGATGAGCTGCATGCACAAGTAGAAGACGCCGATCACCAGGGAGGCT-3'